The following is an entry in ClinVar:

ClinVar aggregate classification (germline): Benign/Likely benign. Review status: criteria provided, multiple submitters, no conflicts (2 of 4 stars). 3 submissions from 3 submitters: Benign (2); Likely benign (1). Last evaluated 2022-09-01.

Conditions:
Febrile seizures, familial, 11 (FEB11). Also called: CONVULSIONS, FAMILIAL FEBRILE, 11. Identifiers: MedGen C3280734, MONDO:0024566, OMIM 614418.
Familial temporal lobe epilepsy 5. Identifiers: MedGen C3280730, MONDO:0013741, OMIM 614417.

Allele frequency attached by ClinVar (database versions not stated): gnomAD exomes 0.00012 and 0.00029; ExAC 0.00043; ESP Exome Variant Server 0.00100; TOPMed 0.00121; gnomAD 0.00126 and 0.00132; 1000 Genomes Project 30x 0.00219; 1000 Genomes Project 0.00280.
gnomAD v4.1: 373 of 1,613,344 alleles (0.023%); highest among the groups gnomAD compares: African/African-American, 0.43%; no homozygotes.

Submissions (3):

Labcorp Genetics (formerly Invitae), Labcorp
Classification: Benign for Febrile seizures, familial, 11. Last evaluated: 2022-09-01. Review status: criteria provided, single submitter. Criteria: Invitae Variant Classification Sherloc (09022015). Collection method: clinical testing. Allele origin: germline.

Illumina Laboratory Services, Illumina
Classification: Likely benign for Familial temporal lobe epilepsy 5. Last evaluated: 2018-01-13. Review status: criteria provided, single submitter. Criteria: ICSL Variant Classification Criteria 13 December 2019. Collection method: clinical testing. Allele origin: germline.
Comment: This variant was observed in the ICSL laboratory as part of a predisposition screen in an ostensibly healthy population. It had not been previously curated by ICSL or reported in the Human Gene Mutation Database (HGMD: prior to June 1st, 2018), and was therefore a candidate for classification through an automated scoring system. Utilizing variant allele frequency, disease prevalence and penetrance estimates, and inheritance mode, an automated score was calculated to assess if this variant is too frequent to cause the disease. Based on the score and internal cut-off values, a variant classified as likely benign is not then subjected to further curation. The score for this variant resulted in a classification of likely benign for this disease.

Eurofins Ntd Llc (ga)
Classification: Benign. Last evaluated: 2016-11-03. Review status: criteria provided, single submitter. Criteria: EGL Classification Definitions 2015. Collection method: clinical testing. Allele origin: germline. Observed: 1 variant allele, 1 heterozygote.

NM_020361.5(CPA6):c.1077G>A (p.Gln359=)

Genes: ARFGEF1-DT (ARFGEF1 divergent transcript; plus strand), CPA6 (carboxypeptidase A6; minus strand). Cytogenetic location: 8q13.2.
Variant type: single nucleotide variant.
Coding change: c.1077G>A on transcript NM_020361.5 (MANE Select); coding-DNA position 1077, G replaced by A.
Protein change: p.Gln359=; no amino-acid change (glutamine 359 retained).
Molecular consequence: synonymous variant.
Genome position (GRCh38, 1-based): chr8:67,428,096, C>T on the plus strand (G>A on the coding strand, the complement: CPA6 is on the minus strand). VCF-style: chr8-67428096-C-T. GRCh37 (hg19) VCF-style: chr8-68340331-C-T.
Identifiers: ClinVar variation 363603 (VCV000363603.19), dbSNP rs143536122, ClinGen allele CA4772723.